The following is an entry in ClinVar:

NM_004329.3(BMPR1A):c.865C>T (p.Leu289Phe)

Gene: BMPR1A (bone morphogenetic protein receptor type 1A; plus strand). Cytogenetic location: 10q23.2.
Variant type: single nucleotide variant.
Coding change: c.865C>T on transcript NM_004329.3 (MANE Select); coding-DNA position 865, C replaced by T.
Protein change: p.Leu289Phe; replaces leucine 289 with phenylalanine.
Molecular consequence: missense variant. On other transcripts: non-coding transcript variant (3).
Genome position (GRCh38, 1-based): chr10:86,917,323, C>T. VCF-style: chr10-86917323-C-T. GRCh37 (hg19) VCF-style: chr10-88677080-C-T.
Other names: c.940C>T, p.Leu314Phe (NM_001406559.1); c.913C>T, p.Leu305Phe (NM_001406560.1); c.865C>T, p.Leu289Phe (NM_001406561.1, NM_001406562.1, NM_001406563.1 and 19 more transcripts); c.859C>T, p.Leu287Phe (NM_001406583.1); c.781C>T, p.Leu261Phe (NM_001406584.1, NM_001406585.1, NM_001406586.1 and 2 more transcripts); c.523C>T, p.Leu175Phe (NM_001406589.1); short protein forms L261F, L287F, L289F, L175F, L305F, L314F.
Identifiers: ClinVar variation 3824714 (VCV003824714.1).

ClinVar aggregate classification (germline): Uncertain significance (1 of 4 stars; one submission).

Conditions:
Hereditary cancer-predisposing syndrome. Also called: Hereditary neoplastic syndrome; Neoplastic Syndromes, Hereditary; Tumor predisposition; Hereditary Cancer Syndrome. Identifiers: Orphanet 140162, MedGen C0027672, MeSH D009386, MONDO:0015356.

Submission:

Ambry Genetics
Classification: Uncertain significance for Hereditary cancer-predisposing syndrome. Last evaluated: 2025-01-03. Review status: criteria provided, single submitter. Criteria: Ambry Variant Classification Scheme 2023. Collection method: clinical testing. Allele origin: germline.
Comment: The p.L289F variant (also known as c.865C>T), located in coding exon 7 of the BMPR1A gene, results from a C to T substitution at nucleotide position 865. The leucine at codon 289 is replaced by phenylalanine, an amino acid with highly similar properties. This amino acid position is conserved. In addition, this alteration is predicted to be deleterious by in silico analysis. Based on the available evidence, the clinical significance of this variant remains unclear.